The following is an entry in ClinVar:

ClinVar aggregate classification (germline): Uncertain significance (1 of 4 stars; one submission).

Conditions:
Inborn genetic diseases. Identifiers: MedGen C0950123, MeSH D030342.

Submission:

Ambry Genetics
Classification: Uncertain significance for Inborn genetic diseases. Last evaluated: 2025-12-10. Review status: criteria provided, single submitter. Criteria: Ambry Variant Classification Scheme 2023. Collection method: clinical testing. Allele origin: germline.
Comment: The p.R214S variant (also known as c.640C>A), located in coding exon 5 of the FANCG gene, results from a C to A substitution at nucleotide position 640. The arginine at codon 214 is replaced by serine, an amino acid with dissimilar properties. This amino acid position is conserved. In addition, the in silico prediction for this alteration is inconclusive. Based on the available evidence, the clinical significance of this variant remains unclear.

NM_004629.2(FANCG):c.640C>A (p.Arg214Ser)

Gene: FANCG (FA complementation group G; minus strand). Cytogenetic location: 9p13.3.
Variant type: single nucleotide variant.
Coding change: c.640C>A on transcript NM_004629.2 (MANE Select); coding-DNA position 640, C replaced by A.
Protein change: p.Arg214Ser; replaces arginine 214 with serine.
Molecular consequence: missense variant.
Genome position (GRCh38, 1-based): chr9:35,077,270, G>T on the plus strand (C>A on the coding strand, the complement: FANCG is on the minus strand). VCF-style: chr9-35077270-G-T. GRCh37 (hg19) VCF-style: chr9-35077267-G-T.
Other names: short protein forms R214S.
Identifiers: ClinVar variation 4619403 (VCV004619403.1).